The following is an entry in ClinVar:

ClinVar aggregate classification (germline): Uncertain significance. Review status: criteria provided, multiple submitters, no conflicts (2 of 4 stars). 2 submissions from 2 submitters: Uncertain significance (2). Last evaluated 2024-01-24.

Conditions:
Inborn genetic diseases. Identifiers: MedGen C0950123, MeSH D030342.
Maple syrup urine disease (MSUD). Identifiers: Orphanet 511, MedGen C0024776, MeSH D008375, MONDO:0009563. Disease mechanism: loss of function.

Allele frequency attached by ClinVar (database versions not stated): ExAC 0.00005; TOPMed 0.00006; gnomAD 0.00007; ESP Exome Variant Server 0.00015; gnomAD exomes 0.00018.
gnomAD v4.1: 264 of 1,614,038 alleles (0.016%); highest among the groups gnomAD compares: Non-Finnish European, 0.021%; no homozygotes.

Submissions (2):

Ambry Genetics
Classification: Uncertain significance for Inborn genetic diseases. Last evaluated: 2024-01-24. Review status: criteria provided, single submitter. Criteria: Ambry Variant Classification Scheme 2023. Collection method: clinical testing. Allele origin: germline.

Labcorp Genetics (formerly Invitae), Labcorp
Classification: Uncertain significance for Maple syrup urine disease. Last evaluated: 2022-02-03. Review status: criteria provided, single submitter. Criteria: Invitae Variant Classification Sherloc (09022015). Collection method: clinical testing. Allele origin: germline.
Comment: This sequence change replaces methionine, which is neutral and non-polar, with isoleucine, which is neutral and non-polar, at codon 82 of the BCKDHA protein (p.Met82Ile). This variant is present in population databases (rs147510183, gnomAD 0.01%). This variant has not been reported in the literature in individuals affected with BCKDHA-related conditions. Algorithms developed to predict the effect of missense changes on protein structure and function (SIFT, PolyPhen-2, Align-GVGD) all suggest that this variant is likely to be tolerated. Algorithms developed to predict the effect of sequence changes on RNA splicing suggest that this variant may create or strengthen a splice site. In summary, the available evidence is currently insufficient to determine the role of this variant in disease. Therefore, it has been classified as a Variant of Uncertain Significance.

NM_000709.4(BCKDHA):c.246G>A (p.Met82Ile)

Gene: BCKDHA (branched chain keto acid dehydrogenase E1 subunit alpha; plus strand). Cytogenetic location: 19q13.2.
Variant type: single nucleotide variant.
Coding change: c.246G>A on transcript NM_000709.4 (MANE Select); coding-DNA position 246, G replaced by A.
Protein change: p.Met82Ile; replaces methionine 82 with isoleucine.
Molecular consequence: missense variant.
Genome position (GRCh38, 1-based): chr19:41,410,774, G>A. VCF-style: chr19-41410774-G-A. GRCh37 (hg19) VCF-style: chr19-41916679-G-A.
Other names: c.246G>A, p.Met82Ile (NM_001164783.2); short protein forms M82I.
Identifiers: ClinVar variation 1791756 (VCV001791756.4), dbSNP rs147510183, ClinGen allele CA9461035.